The following is an entry in ClinVar:

NM_057175.5(NAA15):c.246T>C (p.Cys82=)

Gene: NAA15 (N-alpha-acetyltransferase 15, NatA auxiliary subunit; plus strand). Cytogenetic location: 4q31.1.
Variant type: single nucleotide variant.
Coding change: c.246T>C on transcript NM_057175.5 (MANE Select); coding-DNA position 246, T replaced by C.
Protein change: p.Cys82=; no amino-acid change (cysteine 82 retained).
Molecular consequence: synonymous variant.
Genome position (GRCh38, 1-based): chr4:139,340,913, T>C. VCF-style: chr4-139340913-T-C. GRCh37 (hg19) VCF-style: chr4-140262067-T-C.
Other names: c.246T>C, p.Cys82= (NM_001410842.1, NM_025085.2).
Identifiers: ClinVar variation 3018529 (VCV003018529.9), dbSNP rs747601631, ClinGen allele CA3083356.

ClinVar aggregate classification (germline): Likely benign. Review status: criteria provided, multiple submitters, no conflicts (2 of 4 stars). 2 submissions from 2 submitters: Likely benign (2). Last evaluated 2026-03-01.

Allele frequency attached by ClinVar (database versions not stated): TOPMed below 0.00001; gnomAD exomes 0.00002; ExAC 0.00006.
gnomAD v4.1: 32 of 1,544,754 alleles (0.0021%); highest among the groups gnomAD compares: South Asian, 0.013%; no homozygotes.

Submissions (2):

CeGaT Center for Human Genetics Tuebingen
Classification: Likely benign. Last evaluated: 2026-03-01. Review status: criteria provided, single submitter. Criteria: CeGaT Center For Human Genetics Tuebingen Variant Classification Criteria Version 2. Collection method: clinical testing. Allele origin: germline. Affected: yes. Observed: 2 variant alleles.
Comment: NAA15: BP4

Labcorp Genetics (formerly Invitae), Labcorp
Classification: Likely benign. Last evaluated: 2023-07-27. Review status: criteria provided, single submitter. Criteria: Invitae Variant Classification Sherloc (09022015). Collection method: clinical testing. Allele origin: germline.